The following is an entry in ClinVar:

ClinVar aggregate classification (germline): Uncertain significance. Review status: criteria provided, multiple submitters, no conflicts (2 of 4 stars). 2 submissions from 2 submitters: Uncertain significance (2). Last evaluated 2024-07-24.

Conditions:
Hereditary cancer-predisposing syndrome. Also called: Neoplastic Syndromes, Hereditary; Tumor predisposition; Hereditary Cancer Syndrome; Hereditary neoplastic syndrome. Identifiers: Orphanet 140162, MedGen C0027672, MeSH D009386, MONDO:0015356.

Submissions (2):

Labcorp Genetics (formerly Invitae), Labcorp
Classification: Uncertain significance. Last evaluated: 2024-07-24. Review status: criteria provided, single submitter. Criteria: Invitae Variant Classification Sherloc (09022015). Collection method: clinical testing. Allele origin: germline.
Comment: This sequence change replaces alanine, which is neutral and non-polar, with serine, which is neutral and polar, at codon 1283 of the POLE protein (p.Ala1283Ser). This variant is not present in population databases (gnomAD no frequency). This variant has not been reported in the literature in individuals affected with POLE-related conditions. ClinVar contains an entry for this variant (Variation ID: 1735475). Advanced modeling of protein sequence and biophysical properties (such as structural, functional, and spatial information, amino acid conservation, physicochemical variation, residue mobility, and thermodynamic stability) performed at Invitae indicates that this missense variant is not expected to disrupt POLE protein function with a negative predictive value of 80%. In summary, the available evidence is currently insufficient to determine the role of this variant in disease. Therefore, it has been classified as a Variant of Uncertain Significance.

Ambry Genetics
Classification: Uncertain significance for Hereditary cancer-predisposing syndrome. Last evaluated: 2022-04-01. Review status: criteria provided, single submitter. Criteria: Ambry Variant Classification Scheme 2023. Collection method: clinical testing. Allele origin: germline.
Comment: The p.A1283S variant (also known as c.3847G>T), located in coding exon 31 of the POLE gene, results from a G to T substitution at nucleotide position 3847. The alanine at codon 1283 is replaced by serine, an amino acid with similar properties. This amino acid position is conserved. In addition, this alteration is predicted to be tolerated by in silico analysis. Since supporting evidence is limited at this time, the clinical significance of this alteration remains unclear.

NM_006231.4(POLE):c.3847G>T (p.Ala1283Ser)

Gene: POLE (DNA polymerase epsilon, catalytic subunit; minus strand). Cytogenetic location: 12q24.33.
Variant type: single nucleotide variant.
Coding change: c.3847G>T on transcript NM_006231.4 (MANE Select); coding-DNA position 3847, G replaced by T.
Protein change: p.Ala1283Ser; replaces alanine 1283 with serine.
Molecular consequence: missense variant.
Genome position (GRCh38, 1-based): chr12:132,649,464, C>A on the plus strand (G>T on the coding strand, the complement: POLE is on the minus strand). VCF-style: chr12-132649464-C-A. GRCh37 (hg19) VCF-style: chr12-133226050-C-A.
Other names: short protein forms A1283S.
Identifiers: ClinVar variation 1735475 (VCV001735475.7), dbSNP rs1565946083, ClinGen allele CA387385431.